The following is an entry in ClinVar:

NM_000535.7(PMS2):c.630A>G (p.Lys210=)

Gene: PMS2 (PMS1 homolog 2, mismatch repair system component; minus strand). Cytogenetic location: 7p22.1.
Variant type: single nucleotide variant.
Coding change: c.630A>G on transcript NM_000535.7 (MANE Select); coding-DNA position 630, A replaced by G.
Protein change: p.Lys210=; no amino-acid change (lysine 210 retained).
Molecular consequence: synonymous variant. On other transcripts: 5 prime UTR variant (2), non-coding transcript variant (1), intron variant (1).
Genome position (GRCh38, 1-based): chr7:5,999,183, T>C on the plus strand (A>G on the coding strand, the complement: PMS2 is on the minus strand). VCF-style: chr7-5999183-T-C. GRCh37 (hg19) VCF-style: chr7-6038814-T-C.
Other names: c.225A>G, p.Lys75= (NM_001322003.2, NM_001322004.2, NM_001322005.2 and 2 more transcripts); c.630A>G, p.Lys210= (NM_001322006.2, NM_001322014.2); c.312A>G, p.Lys104= (NM_001322007.2, NM_001322008.2); c.-304A>G (NM_001322011.2, NM_001322012.2); c.321A>G, p.Lys107= (NM_001322015.2); c.133-1760A>G (NM_001322013.2).
Identifiers: ClinVar variation 237922 (VCV000237922.34), dbSNP rs765847615, ClinGen allele CA050689.

ClinVar aggregate classification (germline): Benign/Likely benign. Review status: criteria provided, multiple submitters, no conflicts (2 of 4 stars). 13 submissions from 13 submitters: Benign (2); Likely benign (11). Last evaluated 2026-01-01.

Conditions:
Hereditary cancer-predisposing syndrome. Also called: Tumor predisposition; Hereditary Cancer Syndrome; Neoplastic Syndromes, Hereditary; Hereditary neoplastic syndrome. Identifiers: Orphanet 140162, MedGen C0027672, MeSH D009386, MONDO:0015356.
Lynch syndrome 4 (LYNCH4). Also called: Hereditary non-polyposis colorectal cancer, type 4; Colorectal cancer, hereditary nonpolyposis, type 4. Identifiers: Orphanet 144, MedGen C1838333, MONDO:0013699, OMIM 614337. Disease mechanism: loss of function.
Lynch syndrome. Identifiers: Orphanet 144, MedGen C4552100, MONDO:0005835. Disease mechanism: loss of function.
Hereditary nonpolyposis colorectal neoplasms. Identifiers: MedGen C0009405, MeSH D003123.

Allele frequency attached by ClinVar (database versions not stated): gnomAD exomes 0.00001; ExAC 0.00002; TOPMed 0.00003.
gnomAD v4.1: 13 of 1,614,062 alleles (0.00081%); highest among the groups gnomAD compares: South Asian, 0.0011%; no homozygotes.

Submissions (13):

CeGaT Center for Human Genetics Tuebingen
Classification: Likely benign. Last evaluated: 2026-01-01. Review status: criteria provided, single submitter. Criteria: CeGaT Center For Human Genetics Tuebingen Variant Classification Criteria Version 2. Collection method: clinical testing. Allele origin: germline. Affected: yes. Observed: 1 variant allele.
Comment: PMS2: BP4, BP7

Labcorp Genetics (formerly Invitae), Labcorp
Classification: Likely benign for Hereditary nonpolyposis colorectal neoplasms. Last evaluated: 2025-11-24. Review status: criteria provided, single submitter. Criteria: Invitae Variant Classification Sherloc (09022015). Collection method: clinical testing. Allele origin: germline.

Myriad Genetics, Inc.
Classification: Benign for Lynch syndrome 4. Last evaluated: 2025-01-27. Review status: criteria provided, single submitter. Criteria: Myriad Autosomal Dominant, Autosomal Recessive and X-Linked Classification Criteria (2023). Collection method: clinical testing. Allele origin: unknown.
Comment: This variant is considered benign. This variant is a silent/synonymous amino acid change and it is not expected to impact splicing.

Quest Diagnostics Nichols Institute San Juan Capistrano
Classification: Likely benign. Last evaluated: 2025-01-07. Review status: criteria provided, single submitter. Criteria: Quest Diagnostics criteria. Collection method: clinical testing. Allele origin: unknown.

All of Us Research Program, National Institutes of Health
Classification: Likely benign for Lynch syndrome. Last evaluated: 2024-07-20. Review status: criteria provided, single submitter. Criteria: ACMG Guidelines, 2015. Collection method: clinical testing. Allele origin: germline. Inheritance: Autosomal dominant inheritance. Observed: 3 variant alleles, 3 heterozygotes.
Comment: This study involves interpretation of variants in research participants for the purpose of population health screening. Participant phenotype was not available at the time of variant classification. Additional details can be found in publication PMID: 35346344, PMCID: PMC8962531

Blueprint Genetics
Classification: Likely benign. Last evaluated: 2023-12-12. Review status: criteria provided, single submitter. Criteria: ACMG Guidelines, 2015. Collection method: clinical testing. Allele origin: germline.

Department of Pathology and Laboratory Medicine, Sinai Health System
Classification: Likely benign for Lynch syndrome. Last evaluated: 2023-09-21. Review status: criteria provided, single submitter. Criteria: ACMG Guidelines, 2015. Collection method: clinical testing. Allele origin: germline. Affected: yes.

Sema4
Classification: Likely benign for Hereditary cancer-predisposing syndrome. Last evaluated: 2021-06-24. Review status: criteria provided, single submitter. Criteria: Sema4 Curation Guidelines. Collection method: curation. Allele origin: germline.

Women's Health and Genetics/Laboratory Corporation of America, LabCorp
Classification: Likely benign. Last evaluated: 2020-10-03. Review status: criteria provided, single submitter. Criteria: LabCorp Variant Classification Summary - May 2015. Collection method: clinical testing. Allele origin: germline.

Color Diagnostics, LLC DBA Color Health
Classification: Likely benign for Hereditary cancer-predisposing syndrome. Last evaluated: 2018-05-07. Review status: criteria provided, single submitter. Criteria: ACMG Guidelines, 2015. Collection method: clinical testing. Allele origin: germline.

PreventionGenetics, part of Exact Sciences
Classification: Likely benign. Last evaluated: 2017-05-05. Review status: criteria provided, single submitter. Criteria: ACMG Guidelines, 2015. Collection method: clinical testing. Allele origin: germline.

GeneDx
Classification: Benign. Last evaluated: 2015-08-24. Review status: criteria provided, single submitter. Criteria: GeneDx Variant Classification Process June 2021. Collection method: clinical testing. Allele origin: germline. Affected: yes.

Ambry Genetics
Classification: Likely benign for Hereditary cancer-predisposing syndrome. Last evaluated: 2015-03-03. Review status: criteria provided, single submitter. Criteria: Ambry Variant Classification Scheme 2023. Collection method: clinical testing. Allele origin: germline.